The following is an entry in ClinVar:

ClinVar aggregate classification (germline): Uncertain significance (1 of 4 stars; one submission).

Submission:

Centre of Medical Genetics, University Hospital Muenster
Classification: Uncertain significance. Last evaluated: 2021-12-21. Review status: criteria provided, single submitter. Criteria: ACMG Guidelines, 2015. Collection method: clinical testing. Allele origin: unknown. Affected: yes. Observed: 1 variant allele, 1 heterozygote.
Comment: ACMG categories: PM1,PM2

NM_001370100.5(ZMYND11):c.128G>A (p.Arg43Gln)

Gene: ZMYND11 (zinc finger MYND-type containing 11; plus strand). Cytogenetic location: 10p15.3.
Variant type: single nucleotide variant.
Coding change: c.128G>A on transcript NM_001370100.5 (MANE Select); coding-DNA position 128, G replaced by A.
Protein change: p.Arg43Gln; replaces arginine 43 with glutamine.
Molecular consequence: missense variant. On other transcripts: non-coding transcript variant (1), intron variant (1).
Genome position (GRCh38, 1-based): chr10:209,900, G>A. VCF-style: chr10-209900-G-A. GRCh37 (hg19) VCF-style: chr10-255840-G-A.
Other names: c.128G>A, p.Arg43Gln (NM_001161482.1, NM_001202464.3, NM_001202465.3 and 25 more transcripts); c.77G>A, p.Arg26Gln (NM_001330057.3, NM_001370112.2, NM_001370123.2); c.62G>A, p.Arg21Gln (NM_001370116.2, NM_001370120.2); c.8G>A, p.Arg3Gln (NM_001370118.2, NM_001370121.2); c.-33-26938G>A (NM_001370124.3); short protein forms R21Q, R26Q, R3Q, R43Q.
Identifiers: ClinVar variation 1708354 (VCV001708354.2), dbSNP rs2131267933, ClinGen allele CA375841814.